The following is an entry in ClinVar:

ClinVar aggregate classification (germline): Uncertain significance (1 of 4 stars; one submission).

Allele frequency attached by ClinVar (database versions not stated): TOPMed below 0.00001; gnomAD 0.00001.
gnomAD v4.1: 1 of 1,611,704 alleles (0.000062%); highest among the groups gnomAD compares: Non-Finnish European, 0.000085%; no homozygotes.

Submission:

Labcorp Genetics (formerly Invitae), Labcorp
Classification: Uncertain significance. Last evaluated: 2025-10-26. Review status: criteria provided, single submitter. Criteria: Invitae Variant Classification Sherloc (09022015). Collection method: clinical testing. Allele origin: germline.
Comment: This sequence change replaces alanine, which is neutral and non-polar, with serine, which is neutral and polar, at codon 1258 of the ALPK3 protein (p.Ala1258Ser). This variant is not present in population databases (gnomAD no frequency). This variant has not been reported in the literature in individuals affected with ALPK3-related conditions. ClinVar contains an entry for this variant (Variation ID: 1384602). Invitae Evidence Modeling of protein sequence and biophysical properties (such as structural, functional, and spatial information, amino acid conservation, physicochemical variation, residue mobility, and thermodynamic stability) indicates that this missense variant is expected to disrupt ALPK3 protein function with a positive predictive value of 80%. In summary, the available evidence is currently insufficient to determine the role of this variant in disease. Therefore, it has been classified as a Variant of Uncertain Significance.

NM_020778.5(ALPK3):c.3166G>T (p.Ala1056Ser)

Gene: ALPK3 (alpha kinase 3; plus strand). Cytogenetic location: 15q25.3.
Variant type: single nucleotide variant.
Coding change: c.3166G>T on transcript NM_020778.5 (MANE Select); coding-DNA position 3166, G replaced by T.
Protein change: p.Ala1056Ser; replaces alanine 1056 with serine.
Molecular consequence: missense variant.
Genome position (GRCh38, 1-based): chr15:84,857,904, G>T. VCF-style: chr15-84857904-G-T. GRCh37 (hg19) VCF-style: chr15-85401135-G-T.
Other names: short protein forms A1056S.
Identifiers: ClinVar variation 1384602 (VCV001384602.6), dbSNP rs1031462793, ClinGen allele CA273625168.
Genomic context (GRCh38, chr15:84,857,904, plus strand): 5'-ACCTCCCGCCGCCTCACCGGCCTCCTGGACCGTGAGGTGCAGGCTGGCCGCCAGGCCCTT[G>T]CTGCTGCCCGAGGCTCCTGGGGTCCTGGTCCCAGCTCCCTCACTGTCCCTGCCATTGTGG-3'
Protein context (NP_065829.4, residues 1046-1066): REVQAGRQAL[Ala1056Ser]AARGSWGPGP